The following is an entry in ClinVar:

NM_006486.3(FBLN1):c.1674G>C (p.Glu558Asp)

Gene: FBLN1 (fibulin 1; plus strand). Cytogenetic location: 22q13.31.
Variant type: single nucleotide variant.
Coding change: c.1674G>C on transcript NM_006486.3 (MANE Select); coding-DNA position 1674, G replaced by C.
Protein change: p.Glu558Asp; replaces glutamic acid 558 with aspartic acid.
Molecular consequence: missense variant.
Genome position (GRCh38, 1-based): chr22:45,550,592, G>C. VCF-style: chr22-45550592-G-C. GRCh37 (hg19) VCF-style: chr22-45946472-G-C.
Other names: c.1674G>C (NM_006486.2); c.1674G>C, p.Glu558Asp (NM_001996.4, NM_006485.4, NM_006487.3); short protein forms E558D.
Identifiers: ClinVar variation 2714729 (VCV002714729.6), dbSNP rs144043387, ClinGen allele CA10287034.
Genomic context (GRCh38, chr22:45,550,592, plus strand): 5'-CAACGAGACCTGCTTCAACATCCAGGGCGGCTTCCGCTGCCTGGCCTTCGAGTGCCCTGA[G>C]AACTACCGCCGCTCCGCAGCCACGTAAGTCCCTTGGACCATGCCATCGTCGTCTGTCTGT-3'
Protein context (NP_006477.3, residues 548-568): GFRCLAFECP[Glu558Asp]NYRRSAATLQ

ClinVar aggregate classification (germline): Conflicting classifications of pathogenicity. Review status: criteria provided, conflicting classifications (1 of 4 stars). 3 submissions from 3 submitters: Uncertain significance (1); Likely benign (1). 1 of the submissions does not count toward it. Last evaluated 2025-08-30.

Conditions:
FBLN1-related disorder. Also called: FBLN1-related condition.

Allele frequency attached by ClinVar (database versions not stated): gnomAD 0.00102; ESP Exome Variant Server 0.00108; TOPMed 0.00131.
gnomAD v4.1: 298 of 1,614,068 alleles (0.018%); highest among the groups gnomAD compares: African/African-American, 0.33%; no homozygotes.

Submissions (3):

Ambry Genetics
Classification: Uncertain significance. Last evaluated: 2025-08-30. Review status: criteria provided, single submitter. Criteria: Ambry Variant Classification Scheme 2023. Collection method: clinical testing. Allele origin: germline.

Labcorp Genetics (formerly Invitae), Labcorp
Classification: Likely benign. Last evaluated: 2025-03-27. Review status: criteria provided, single submitter. Criteria: Invitae Variant Classification Sherloc (09022015). Collection method: clinical testing. Allele origin: germline.

PreventionGenetics, part of Exact Sciences
Classification: Benign for FBLN1-related condition. Last evaluated: 2020-08-06. Review status: no assertion criteria provided. Collection method: clinical testing. Allele origin: germline. Not counted in ClinVar's aggregate classification.
Comment: This variant is classified as benign based on ACMG/AMP sequence variant interpretation guidelines (Richards et al. 2015 PMID: 25741868, with internal and published modifications).